The following is an entry in ClinVar:

NM_005896.4(IDH1):c.950G>C (p.Arg317Pro)

Gene: IDH1 (isocitrate dehydrogenase (NADP(+)) 1; minus strand). Cytogenetic location: 2q34.
Variant type: single nucleotide variant.
Coding change: c.950G>C on transcript NM_005896.4 (MANE Select); coding-DNA position 950, G replaced by C.
Protein change: p.Arg317Pro; replaces arginine 317 with proline.
Molecular consequence: missense variant.
Genome position (GRCh38, 1-based): chr2:208,239,904, C>G on the plus strand (G>C on the coding strand, the complement: IDH1 is on the minus strand). VCF-style: chr2-208239904-C-G. GRCh37 (hg19) VCF-style: chr2-209104628-C-G.
Other names: c.950G>C, p.Arg317Pro (NM_001282386.1, NM_001282387.1); short protein forms R317P.
Identifiers: ClinVar variation 2453223 (VCV002453223.2), dbSNP rs1294399146, ClinGen allele CA350095119.
Genomic context (GRCh38, chr2:208,239,904, plus strand): 5'-AATGTAAACACCATCTTACCAATGGGATTGGTGGACGTCTCCTGTCCTTTCTGGTACATG[C>G]GGTAGTGACGGGTTACAGTCCCGTGGGCAGCCTCTGCTTCTACTGTCTTGCCATCTGGAC-3'
Protein context (NP_005887.2, residues 307-327): AAHGTVTRHY[Arg317Pro]MYQKGQETST

ClinVar aggregate classification (germline): Uncertain significance (1 of 4 stars; one submission).

Submission:

Ambry Genetics
Classification: Uncertain significance. Last evaluated: 2022-11-23. Review status: criteria provided, single submitter. Criteria: Ambry Variant Classification Scheme 2023. Collection method: clinical testing. Allele origin: germline.
Comment: The p.R317P variant (also known as c.950G>C), located in coding exon 6 of the IDH1 gene, results from a G to C substitution at nucleotide position 950. The arginine at codon 317 is replaced by proline, an amino acid with dissimilar properties. This amino acid position is conserved. In addition, this alteration is predicted to be deleterious by in silico analysis. Since supporting evidence is limited at this time, the clinical significance of this alteration remains unclear.